The following is an entry in ClinVar:

NM_004867.5(ITM2A):c.129C>G (p.Thr43=)

Gene: ITM2A (integral membrane protein 2A; minus strand). Cytogenetic location: Xq21.1.
Variant type: single nucleotide variant.
Coding change: c.129C>G on transcript NM_004867.5 (MANE Select); coding-DNA position 129, C replaced by G.
Protein change: p.Thr43=; no amino-acid change (threonine 43 retained).
Molecular consequence: synonymous variant. On other transcripts: intron variant (1).
Genome position (GRCh38, 1-based): chrX:79,363,537, G>C on the plus strand (C>G on the coding strand, the complement: ITM2A is on the minus strand). VCF-style: chrX-79363537-G-C. GRCh37 (hg19) VCF-style: chrX-78619034-G-C.
Other names: c.112-398C>G (NM_001171581.2).
Identifiers: ClinVar variation 2660976 (VCV002660976.24), dbSNP rs144910694, ClinGen allele CA10461097.

ClinVar aggregate classification (germline): Likely benign (1 of 4 stars; one submission).

Allele frequency attached by ClinVar (database versions not stated): ExAC 0.00004; TOPMed 0.00009; gnomAD 0.00012; ESP Exome Variant Server 0.00019.
gnomAD v4.1: 238 of 1,178,363 alleles (0.02%); highest among the groups gnomAD compares: Non-Finnish European, 0.027%; no homozygotes.

Submission:

CeGaT Center for Human Genetics Tuebingen
Classification: Likely benign. Last evaluated: 2023-01-01. Review status: criteria provided, single submitter. Criteria: CeGaT Center For Human Genetics Tuebingen Variant Classification Criteria Version 2. Collection method: clinical testing. Allele origin: germline. Affected: yes. Observed: 1 variant allele.
Comment: ITM2A: BP4, BP7, BS2